The following is an entry in ClinVar:

NM_001048174.2(MUTYH):c.674C>A (p.Pro225His)

Gene: MUTYH (mutY DNA glycosylase; minus strand). Cytogenetic location: 1p34.1.
Variant type: single nucleotide variant.
Coding change: c.674C>A on transcript NM_001048174.2 (MANE Select); coding-DNA position 674, C replaced by A.
Protein change: p.Pro225His; replaces proline 225 with histidine.
Molecular consequence: missense variant. On other transcripts: non-coding transcript variant (2).
Genome position (GRCh38, 1-based): chr1:45,332,421, G>T on the plus strand (C>A on the coding strand, the complement: MUTYH is on the minus strand). VCF-style: chr1-45332421-G-T. GRCh37 (hg19) VCF-style: chr1-45798093-G-T.
Other names: c.674C>A, p.Pro225His (NM_001048171.2, NM_001048173.2, NM_001293195.2); c.677C>A, p.Pro226His (NM_001048172.2); c.758C>A, p.Pro253His (NM_001128425.2); c.719C>A, p.Pro240His (NM_001293190.2); c.707C>A, p.Pro236His (NM_001293191.2); c.398C>A, p.Pro133His (NM_001293192.2, NM_001293196.2); c.329C>A, p.Pro110His (NM_001350650.2, NM_001350651.2); c.749C>A, p.Pro250His (NM_012222.3); short protein forms P253H, P110H, P226H, P133H, P225H, P236H, P240H, P250H.
Identifiers: ClinVar variation 187305 (VCV000187305.7), dbSNP rs564919438, ClinGen allele CA014302.

ClinVar aggregate classification (germline): Uncertain significance (1 of 4 stars; one submission).

Conditions:
Hereditary cancer-predisposing syndrome. Also called: Neoplastic Syndromes, Hereditary; Tumor predisposition; Hereditary Cancer Syndrome; Hereditary neoplastic syndrome. Identifiers: Orphanet 140162, MedGen C0027672, MeSH D009386, MONDO:0015356.

Submission:

Ambry Genetics
Classification: Uncertain significance for Hereditary cancer-predisposing syndrome. Last evaluated: 2025-07-25. Review status: criteria provided, single submitter. Criteria: Ambry Variant Classification Scheme 2023. Collection method: clinical testing. Allele origin: germline.
Comment: The p.P253H variant (also known as c.758C>A), located in coding exon 9 of the MUTYH gene, results from a C to A substitution at nucleotide position 758. The proline at codon 253 is replaced by histidine, an amino acid with similar properties. This amino acid position is not well conserved in available vertebrate species. In addition, the in silico prediction for this alteration is inconclusive. Since supporting evidence is limited at this time, the clinical significance of this alteration remains unclear.